The following is an entry in ClinVar:

ClinVar aggregate classification (germline): Benign. Review status: criteria provided, multiple submitters, no conflicts (2 of 4 stars). 9 submissions from 9 submitters: Benign (9). Last evaluated 2026-01-28.

Conditions:
Early-infantile DEE. Also called: Early infantile epileptic encephalopathy; Ohtahara syndrome; Early infantile epileptic encephalopathy with suppression bursts. Identifiers: Orphanet 1934, MedGen C0393706, MONDO:0800491.
Inborn genetic diseases. Identifiers: MedGen C0950123, MeSH D030342.
Developmental and epileptic encephalopathy, 5 (DEE5). Identifiers: Orphanet 3451, MedGen C3150731, MONDO:0013277, OMIM 613477.

Allele frequency attached by ClinVar (database versions not stated): gnomAD exomes 0.00081 and 0.00203; ExAC 0.00248; ESP Exome Variant Server 0.00730; 1000 Genomes Project 0.00739; gnomAD 0.00762 and 0.00816; 1000 Genomes Project 30x 0.00812; TOPMed 0.00864.
gnomAD v4.1: 2,397 of 1,614,004 alleles (0.15%); highest among the groups gnomAD compares: African/African-American, 2.7%; 37 homozygotes.

Submissions (9):

Labcorp Genetics (formerly Invitae), Labcorp
Classification: Benign for Early-infantile DEE. Last evaluated: 2026-01-28. Review status: criteria provided, single submitter. Criteria: Invitae Variant Classification Sherloc (09022015). Collection method: clinical testing. Allele origin: germline.

Mayo Clinic Laboratories, Mayo Clinic
Classification: Benign. Last evaluated: 2023-05-24. Review status: criteria provided, single submitter. Criteria: ACMG Guidelines, 2015. Collection method: clinical testing. Allele origin: germline. Observed: 12 variant alleles.
Comment: BS1, BS2, BP4, BP7

Fulgent Genetics
Classification: Benign for Developmental and epileptic encephalopathy, 5. Last evaluated: 2022-04-13. Review status: criteria provided, single submitter. Criteria: ACMG Guidelines, 2015. Collection method: clinical testing. Allele origin: unknown.

Genome-Nilou Lab
Classification: Benign for Developmental and epileptic encephalopathy, 5. Last evaluated: 2021-07-15. Review status: criteria provided, single submitter. Criteria: ACMG Guidelines, 2015. Collection method: clinical testing. Allele origin: germline. Affected: no.

Ambry Genetics
Classification: Benign for Inborn genetic diseases. Last evaluated: 2016-05-02. Review status: criteria provided, single submitter. Criteria: Ambry Variant Classification Scheme 2023. Collection method: clinical testing. Allele origin: germline.

GeneDx
Classification: Benign. Last evaluated: 2013-03-27. Review status: criteria provided, single submitter. Criteria: GeneDx Variant Classification (06012015). Collection method: clinical testing. Allele origin: germline. Affected: yes.
Comment: This variant is considered likely benign or benign based on one or more of the following criteria: it is a conservative change, it occurs at a poorly conserved position in the protein, it is predicted to be benign by multiple in silico algorithms, and/or has population frequency not consistent with disease.

Genetic Services Laboratory, University of Chicago
Classification: Benign. Last evaluated: 2013-03-04. Review status: criteria provided, single submitter. Criteria: ACMG Guidelines, 2007. Collection method: clinical testing. Allele origin: germline. Inheritance: Autosomal dominant inheritance.

Breakthrough Genomics
Classification: Benign. Review status: criteria provided, single submitter. Criteria: ACMG Guidelines, 2015. Collection method: not provided. Allele origin: germline. Inheritance: Autosomal dominant inheritance. Affected: yes.

PreventionGenetics, part of Exact Sciences
Classification: Benign. Review status: criteria provided, single submitter. Criteria: ACMG Guidelines, 2015. Collection method: clinical testing. Allele origin: germline.

NM_001130438.3(SPTAN1):c.5925G>A (p.Ala1975=)

Gene: SPTAN1 (spectrin alpha, non-erythrocytic 1; plus strand). Cytogenetic location: 9q34.11.
Variant type: single nucleotide variant.
Coding change: c.5925G>A on transcript NM_001130438.3 (MANE Select); coding-DNA position 5925, G replaced by A.
Protein change: p.Ala1975=; no amino-acid change (alanine 1975 retained).
Molecular consequence: synonymous variant.
Genome position (GRCh38, 1-based): chr9:128,624,420, G>A. VCF-style: chr9-128624420-G-A. GRCh37 (hg19) VCF-style: chr9-131386699-G-A.
Other names: p.A1975A:GCG>GCA; p.Ala1975=; c.5850G>A, p.Ala1950= (NM_001195532.2); c.5925G>A, p.Ala1975= (NM_001363759.2); c.5865G>A, p.Ala1955= (NM_001363765.2); c.5910G>A, p.Ala1970= (NM_003127.4).
Identifiers: ClinVar variation 139305 (VCV000139305.26), dbSNP rs11543345, ClinGen allele CA295187.